The following is an entry in ClinVar:

NM_001330677.2(TBX15):c.1087T>G (p.Ser363Ala)

Gene: TBX15 (T-box transcription factor 15; minus strand). Cytogenetic location: 1p12.
Variant type: single nucleotide variant.
Coding change: c.1087T>G on transcript NM_001330677.2 (MANE Select); coding-DNA position 1087, T replaced by G.
Protein change: p.Ser363Ala; replaces serine 363 with alanine.
Molecular consequence: missense variant.
Genome position (GRCh38, 1-based): chr1:118,885,454, A>C on the plus strand (T>G on the coding strand, the complement: TBX15 is on the minus strand). VCF-style: chr1-118885454-A-C. GRCh37 (hg19) VCF-style: chr1-119428077-A-C.
Other names: c.769T>G, p.Ser257Ala (NM_152380.3); c.769T>G (NM_152380.2); short protein forms S363A, S257A.
Identifiers: ClinVar variation 1468030 (VCV001468030.8), dbSNP rs374755606, ClinGen allele CA1034892.

ClinVar aggregate classification (germline): Uncertain significance. Review status: criteria provided, multiple submitters, no conflicts (2 of 4 stars). 2 submissions from 2 submitters: Uncertain significance (2). Last evaluated 2024-12-09.

Conditions:
Inborn genetic diseases. Identifiers: MedGen C0950123, MeSH D030342.

Allele frequency attached by ClinVar (database versions not stated): gnomAD 0.00003 and 0.00004; gnomAD exomes 0.00004; ESP Exome Variant Server 0.00008; ExAC 0.00009.
gnomAD v4.1: 113 of 1,609,238 alleles (0.007%); highest among the groups gnomAD compares: Non-Finnish European, 0.009%; no homozygotes.

Submissions (2):

Labcorp Genetics (formerly Invitae), Labcorp
Classification: Uncertain significance. Last evaluated: 2024-12-09. Review status: criteria provided, single submitter. Criteria: Invitae Variant Classification Sherloc (09022015). Collection method: clinical testing. Allele origin: germline.
Comment: This sequence change replaces serine, which is neutral and polar, with alanine, which is neutral and non-polar, at codon 257 of the TBX15 protein (p.Ser257Ala). This variant is present in population databases (rs374755606, gnomAD 0.009%). This variant has not been reported in the literature in individuals affected with TBX15-related conditions. ClinVar contains an entry for this variant (Variation ID: 1468030). Invitae Evidence Modeling of protein sequence and biophysical properties (such as structural, functional, and spatial information, amino acid conservation, physicochemical variation, residue mobility, and thermodynamic stability) indicates that this missense variant is not expected to disrupt TBX15 protein function with a negative predictive value of 80%. In summary, the available evidence is currently insufficient to determine the role of this variant in disease. Therefore, it has been classified as a Variant of Uncertain Significance.

Ambry Genetics
Classification: Uncertain significance for Inborn genetic diseases. Last evaluated: 2024-06-17. Review status: criteria provided, single submitter. Criteria: Ambry Variant Classification Scheme 2023. Collection method: clinical testing. Allele origin: germline.